The following is an entry in ClinVar:

NM_004259.7(RECQL5):c.2067C>T (p.Gly689=)

Gene: RECQL5 (RecQ like helicase 5; minus strand). Cytogenetic location: 17q25.1.
Variant type: single nucleotide variant.
Coding change: c.2067C>T on transcript NM_004259.7 (MANE Select); coding-DNA position 2067, C replaced by T.
Protein change: p.Gly689=; no amino-acid change (glycine 689 retained).
Molecular consequence: synonymous variant.
Genome position (GRCh38, 1-based): chr17:75,629,356, G>A on the plus strand (C>T on the coding strand, the complement: RECQL5 is on the minus strand). VCF-style: chr17-75629356-G-A. GRCh37 (hg19) VCF-style: chr17-73625436-G-A.
Identifiers: ClinVar variation 3348938 (VCV003348938.1).

ClinVar aggregate classification (germline): Uncertain significance (0 of 4 stars; one submission).

Conditions:
RECQL5-related disorder. Also called: RECQL5-related condition.

gnomAD v4.1: 14 of 1,513,314 alleles (0.00093%); highest among the groups gnomAD compares: South Asian, 0.011%; no homozygotes.

Submission:

PreventionGenetics, part of Exact Sciences
Classification: Uncertain significance for RECQL5-related condition. Last evaluated: 2024-03-28. Review status: no assertion criteria provided. Collection method: clinical testing. Allele origin: germline.
Comment: The RECQL5 c.2067C>T variant is not predicted to result in an amino acid change (p.=). To our knowledge, this variant has not been reported in the literature or in ClinVar. This variant is predicted to enhance a cryptic splice site in exon 16 of the RECQL5 gene by splicing prediction software (Alamut Visual Plus v1.6.1; SpliceAI, Jaganathan K, et al. 2019. PubMed ID: 30661751). This variant is reported in 0.014% of alleles in individuals of South Asian descent in gnomAD. At this time, the clinical significance of this variant is uncertain due to the absence of conclusive functional and genetic evidence.